The following is an entry in ClinVar:

NM_001358530.2(MOCS1):c.358G>C (p.Asp120His)

Gene: MOCS1 (molybdenum cofactor synthesis 1; minus strand). Cytogenetic location: 6p21.2.
Variant type: single nucleotide variant.
Coding change: c.358G>C on transcript NM_001358530.2 (MANE Select); coding-DNA position 358, G replaced by C.
Protein change: p.Asp120His; replaces aspartic acid 120 with histidine.
Molecular consequence: missense variant. On other transcripts: non-coding transcript variant (1).
Genome position (GRCh38, 1-based): chr6:39,925,738, C>G on the plus strand (G>C on the coding strand, the complement: MOCS1 is on the minus strand). VCF-style: chr6-39925738-C-G. GRCh37 (hg19) VCF-style: chr6-39893482-C-G.
Other names: c.358G>C, p.Asp120His (NM_001075098.4, NM_001358529.2, NM_005943.6); c.97G>C, p.Asp33His (NM_001358531.2, NM_001358533.2, NM_001358534.2); short protein forms D120H, D33H.
Identifiers: ClinVar variation 356667 (VCV000356667.6), dbSNP rs368420298, ClinGen allele CA3796333.

ClinVar aggregate classification (germline): Uncertain significance. Review status: criteria provided, multiple submitters, no conflicts (2 of 4 stars). 2 submissions from 2 submitters: Uncertain significance (2). Last evaluated 2022-04-22.

Conditions:
Sulfite oxidase deficiency due to molybdenum cofactor deficiency type A. Also called: Molybdenum cofactor deficiency, complementation group A; Molybdenum Cofactor Deficiency A. Identifiers: Orphanet 308386, Orphanet 833, MedGen C1854988, MONDO:0009643, OMIM 252150.

Allele frequency attached by ClinVar (database versions not stated): TOPMed 0.00003.
gnomAD v4.1: 69 of 1,612,706 alleles (0.0043%); highest among the groups gnomAD compares: Non-Finnish European, 0.0058%; no homozygotes.

Submissions (2):

Labcorp Genetics (formerly Invitae), Labcorp
Classification: Uncertain significance for Sulfite oxidase deficiency due to molybdenum cofactor deficiency type A. Last evaluated: 2022-04-22. Review status: criteria provided, single submitter. Criteria: Invitae Variant Classification Sherloc (09022015). Collection method: clinical testing. Allele origin: germline.
Comment: This sequence change replaces aspartic acid, which is acidic and polar, with histidine, which is basic and polar, at codon 120 of the MOCS1 protein (p.Asp120His). This variant is present in population databases (rs368420298, gnomAD 0.004%). This variant has not been reported in the literature in individuals affected with MOCS1-related conditions. ClinVar contains an entry for this variant (Variation ID: 356667). Algorithms developed to predict the effect of missense changes on protein structure and function are either unavailable or do not agree on the potential impact of this missense change (SIFT: "Not Available"; PolyPhen-2: "Probably Damaging"; Align-GVGD: "Not Available"). In summary, the available evidence is currently insufficient to determine the role of this variant in disease. Therefore, it has been classified as a Variant of Uncertain Significance.

Illumina Laboratory Services, Illumina
Classification: Uncertain significance for Sulfite oxidase deficiency due to molybdenum cofactor deficiency type A. Last evaluated: 2018-01-12. Review status: criteria provided, single submitter. Criteria: ICSL Variant Classification Criteria 13 December 2019. Collection method: clinical testing. Allele origin: germline.